The following is an entry in ClinVar:

ClinVar aggregate classification (germline): Likely benign. Review status: criteria provided, multiple submitters, no conflicts (2 of 4 stars). 4 submissions from 4 submitters: Likely benign (3). 1 of the submissions does not count toward it. Last evaluated 2026-01-27.

Conditions:
NEBL-related disorder. Also called: NEBL-related condition.
Primary dilated cardiomyopathy (DCM). Also called: Dilated Cardiomyopathy. Identifiers: Orphanet 217604, MedGen C0007193, MeSH D002311, MONDO:0005021, HP:0001644. Inheritance: Various modes of inheritance.

Allele frequency attached by ClinVar (database versions not stated): ESP Exome Variant Server 0.00015; 1000 Genomes Project 30x 0.00016; 1000 Genomes Project 0.00020; gnomAD 0.00014; gnomAD exomes 0.00021 and 0.00009; TOPMed 0.00012; ExAC 0.00015.
gnomAD v4.1: 317 of 1,609,288 alleles (0.02%); highest among the groups gnomAD compares: East Asian, 0.076%; no homozygotes.

Submissions (4):

Labcorp Genetics (formerly Invitae), Labcorp
Classification: Likely benign for Primary dilated cardiomyopathy. Last evaluated: 2026-01-27. Review status: criteria provided, single submitter. Criteria: Invitae Variant Classification Sherloc (09022015). Collection method: clinical testing. Allele origin: germline.

GeneDx
Classification: Likely benign. Last evaluated: 2016-05-12. Review status: criteria provided, single submitter. Criteria: GeneDx Variant Classification (06012015). Collection method: clinical testing. Allele origin: germline. Affected: yes.
Comment: This variant is considered likely benign or benign based on one or more of the following criteria: it is a conservative change, it occurs at a poorly conserved position in the protein, it is predicted to be benign by multiple in silico algorithms, and/or has population frequency not consistent with disease.

Laboratory for Molecular Medicine, Mass General Brigham Personalized Medicine
Classification: Likely benign. Last evaluated: 2012-03-19. Review status: criteria provided, single submitter. Criteria: LMM Criteria. Collection method: clinical testing. Allele origin: germline. Observed: 1 variant allele.
Comment: p.Tyr163Tyr in Exon 06 of NEBL: This variant is not expected to have clinical si gnificance because it does not alter an amino acid residue, is not located withi n the splice consensus sequence. It has been identified in 1/3738 African Americ an chromosomes from a broad population by the NHLBI Exome Sequencing Project (dbSNP rs141153708).

PreventionGenetics, part of Exact Sciences
Classification: Likely benign for NEBL-related condition. Last evaluated: 2019-09-17. Review status: no assertion criteria provided. Collection method: clinical testing. Allele origin: germline. Not counted in ClinVar's aggregate classification.
Comment: This variant is classified as likely benign based on ACMG/AMP sequence variant interpretation guidelines (Richards et al. 2015 PMID: 25741868, with internal and published modifications).

NM_006393.3(NEBL):c.489T>C (p.Tyr163=)

Gene: NEBL (nebulette; minus strand). Cytogenetic location: 10p12.31.
Variant type: single nucleotide variant.
Coding change: c.489T>C on transcript NM_006393.3 (MANE Select); coding-DNA position 489, T replaced by C.
Protein change: p.Tyr163=; no amino-acid change (tyrosine 163 retained).
Molecular consequence: synonymous variant. On other transcripts: intron variant (9).
Genome position (GRCh38, 1-based): chr10:20,869,833, A>G on the plus strand (T>C on the coding strand, the complement: NEBL is on the minus strand). VCF-style: chr10-20869833-A-G. GRCh37 (hg19) VCF-style: chr10-21158762-A-G.
Other names: c.250-56893T>C (NM_001377326.1, NM_001377327.1, NM_001377328.1); c.358-56893T>C (NM_213569.2, NM_001173484.2, NM_001377322.1); c.301-56893T>C (NM_001377324.1); c.292-56893T>C (NM_001377325.1); c.310-56893T>C (NM_001377323.1).
Identifiers: ClinVar variation 227738 (VCV000227738.17), dbSNP rs141153708, ClinGen allele CA5433228.
Genomic context (GRCh38, chr10:20,869,833, plus strand): 5'-CTTGATGTCTGGTCGGTCAAGTTCTGCACTGTACGTGTGGGTGTCCTGCACGTCTTTCCT[A>G]TAAGAAATCTGATCAGAGACAGTTTTGGTTAAAAAATAAATAAATTAGTAATTTCACATA-3'
Protein context (NP_006384.1, residues 153-173): EVNKHQSNIS[Tyr163=]RKDVQDTHTY